The following is an entry in ClinVar:

ClinVar aggregate classification (germline): Likely benign. Review status: criteria provided, single submitter (1 of 4 stars). 2 submissions from 2 submitters: Likely benign (1). 1 of the submissions does not count toward it. Last evaluated 2025-05-13.

Conditions:
ADAMTS18-related disorder. Also called: ADAMTS18-related condition.

gnomAD v4.1: 49 of 1,614,082 alleles (0.003%); highest among the groups gnomAD compares: African/African-American, 0.0067%; no homozygotes.

Submissions (2):

Labcorp Genetics (formerly Invitae), Labcorp
Classification: Likely benign. Last evaluated: 2025-05-13. Review status: criteria provided, single submitter. Criteria: Invitae Variant Classification Sherloc (09022015). Collection method: clinical testing. Allele origin: germline.

PreventionGenetics, part of Exact Sciences
Classification: Likely benign for ADAMTS18-related condition. Last evaluated: 2019-02-28. Review status: no assertion criteria provided. Collection method: clinical testing. Allele origin: germline. Not counted in ClinVar's aggregate classification.
Comment: This variant is classified as likely benign based on ACMG/AMP sequence variant interpretation guidelines (Richards et al. 2015 PMID: 25741868, with internal and published modifications).

NM_199355.4(ADAMTS18):c.654C>T (p.Pro218=)

Gene: ADAMTS18 (ADAM metallopeptidase with thrombospondin type 1 motif 18; minus strand). Cytogenetic location: 16q23.1.
Variant type: single nucleotide variant.
Coding change: c.654C>T on transcript NM_199355.4 (MANE Select); coding-DNA position 654, C replaced by T.
Protein change: p.Pro218=; no amino-acid change (proline 218 retained).
Molecular consequence: synonymous variant. On other transcripts: missense variant (1).
Genome position (GRCh38, 1-based): chr16:77,367,565, G>A on the plus strand (C>T on the coding strand, the complement: ADAMTS18 is on the minus strand). VCF-style: chr16-77367565-G-A. GRCh37 (hg19) VCF-style: chr16-77401462-G-A.
Other names: c.134C>T, p.Pro45Leu (NM_001326358.2); c.134C>T (NM_001326358.1); short protein forms P45L.
Identifiers: ClinVar variation 1122119 (VCV001122119.11), dbSNP rs113746494, ClinGen allele CA284377224.
Genomic context (GRCh38, chr16:77,367,565, plus strand): 5'-ACTCTGAGATGCATGGGGAATGTGACTTGGGGAGTAACCAGGATAATTCCGGCCAGAGCC[G>A]GGGTAGCCACGGTACCGCTGGATCTTCTCCTCTGCTGTCCTTTTGTACAGTACGTGAGGA-3'
Protein context (NP_955387.1, residues 208-228): EEKIQRYRGY[Pro218=]GSGRNYPGYS